The following is an entry in ClinVar:

ClinVar aggregate classification (germline): Pathogenic. Review status: criteria provided, multiple submitters, no conflicts (2 of 4 stars). 12 submissions from 12 submitters: Pathogenic (5). 7 of the submissions do not count toward it. Last evaluated 2025-07-22.

Conditions:
von Willebrand disorder (VWD). Also called: von Willebrand Diseases; Von Willebrand disease (hereditary or acquired); von Willebrand's disease. Identifiers: MedGen C0042974, MeSH D014842, MONDO:0024574.
Hereditary von Willebrand disease. Identifiers: Orphanet 903, MedGen C5703318, MONDO:0019565. Inheritance: Autosomal recessive or Autosomal dominant.
von Willebrand disease type 3 (VWD3). Also called: Type 3 Von Willebrand's disease; Type 3 VWD; Von Willebrand disease, severe form; V WD3; VON WILLEBRAND DISEASE, TYPE III. Identifiers: Orphanet 166096, MedGen C1264041, MONDO:0010191, OMIM 277480.
von Willebrand disease type 1 (VWD1). Also called: VWD, TYPE 1; VON WILLEBRAND DISEASE, TYPE I. Identifiers: Orphanet 166078, Orphanet 903, MedGen C1264039, MONDO:0008668, OMIM 193400. Inheritance: autosomal recessive or autosomal dominant.

Allele frequency attached by ClinVar (database versions not stated): gnomAD 0.00001 and 0.00002; ExAC 0.00002; gnomAD exomes 0.00002 and 0.00003; TOPMed 0.00002.
gnomAD v4.1: 42 of 1,614,194 alleles (0.0026%); highest among the groups gnomAD compares: Non-Finnish European, 0.0034%; no homozygotes.

Submissions (12):

Quest Diagnostics Nichols Institute San Juan Capistrano
Classification: Pathogenic. Last evaluated: 2025-07-22. Review status: criteria provided, single submitter. Criteria: Quest Diagnostics criteria. Collection method: clinical testing. Allele origin: unknown.
Comment: The VWF c.7603C>T (p.Arg2535*) variant causes the premature termination of VWF protein synthesis. This variant has been reported in the published literature in homozygous or compound heterozygous state in individuals with type 3 or moderate type 1 von Willebrand disease (vWD) (PMIDs: 1415226 (1992), 8096943 (1993), 7989040 (1994), and 23702511 (2013), 23777763 (2013), 24675615 (2014), 29984440 (2018), 35343054 (2022), 37845247 (2023), and 39002731 (2024)). Heterozygous cases have variable phenotypes, ranging from asymptomatic to mild type 1 vWD (PMIDs: 8096943 (1993), 7989040 (1994), 23702511 (2013), and 39002731 (2024)). The frequency of this variant in the general population (Genome Aggregation Database) is consistent with pathogenicity. Based on the available information, this variant is classified as pathogenic.

ARUP Laboratories, Molecular Genetics and Genomics, ARUP Laboratories
Classification: Pathogenic. Last evaluated: 2025-07-01. Review status: criteria provided, single submitter. Criteria: ARUP Molecular Germline Variant Investigation Process 2024. Collection method: clinical testing. Allele origin: germline.
Comment: The VWF c.7603C>T; p.Arg2535Ter variant (rs61751296, ClinVar Variation ID: 299) is reported in the literature in several compound heterozygous and homozygous individuals affected with von Willebrand disease type 3 (VWD; Christopherson 2022, Elayaperumal 2018, Hampshire 2013, Schneppenheim 1994). Additionally, heterozygous family members have been reported to be unaffected or have VWD type 1 lab findings (Hampshire 2013, Schneppenheim 1994). This variant is found in the non-Finnish European population with an allele frequency of 0.004% (5/129,152 alleles) in the Genome Aggregation Database (v2.1.1). This variant induces an early termination codon and is predicted to result in a truncated protein or mRNA subject to nonsense-mediated decay. Based on available information, this variant is considered to be pathogenic. References: Christopherson PA et al. Molecular pathogenesis and heterogeneity in type 3 VWD families in U.S. Zimmerman program. J Thromb Haemost. 2022 Jul;20(7):1576-1588. PMID: 35343054. Elayaperumal S et al. Type-3 von Willebrand disease in India-Clinical spectrum and molecular profile. Haemophilia. 2018 Nov;24(6):930-940. PMID: 29984440. Hampshire DJ et al. Identification and characterisation of mutations associated with von Willebrand disease in a Turkish patient cohort. Thromb Haemost. 2013 Aug;110(2):264-74. PMID: 23702511. Schneppenheim R et al. Genetic heterogeneity of severe von Willebrand disease type III in the German population. Hum Genet. 1994 Dec;94(6):640-52. PMID: 7989040.

GeneDx
Classification: Pathogenic. Last evaluated: 2025-01-31. Review status: criteria provided, single submitter. Criteria: GeneDx Variant Classification Process June 2021. Collection method: clinical testing. Allele origin: germline. Affected: yes.
Comment: Nonsense variant predicted to result in protein truncation or nonsense mediated decay in a gene for which loss of function is a known mechanism of disease; This variant is associated with the following publications: (PMID: 23702511, 25525159, 1448779, 7989040, 1415226, 25673639, 16959681, 29423401, 29984440, 35343054, 35505650, 31249928, 24675615, 37647632)

Women's Health and Genetics/Laboratory Corporation of America, LabCorp
Classification: Pathogenic for von Willebrand disorder. Last evaluated: 2024-12-04. Review status: criteria provided, single submitter. Criteria: LabCorp Variant Classification Summary - May 2015. Collection method: clinical testing. Allele origin: germline.
Comment: Variant summary: VWF c.7603C>T (p.Arg2535X) results in a premature termination codon, predicted to cause absence of the protein due to nonsense mediated decay, which is a commonly known mechanism for disease. The variant allele was found at a frequency of 1.6e-05 in 251446 control chromosomes. c.7603C>T has been reported in the literature in at-least one family affected with Von Willebrand Disease, one of which was at a homozygous state and the rest three were at a heterozygous state (example, Schneppenheim_1994). These data indicate that the variant is likely to be associated with disease. To our knowledge, no experimental evidence demonstrating an impact on protein function has been reported. The following publication has been ascertained in the context of this evaluation (PMID: 7989040). ClinVar contains an entry for this variant (Variation ID: 299). Based on the evidence outlined above, the variant was classified as pathogenic.

Laboratory of Hematology, Radboud University Medical Center
Classification: Pathogenic for von Willebrand disease type 1. Last evaluated: 2020-12-10. Review status: criteria provided, single submitter. Criteria: ACMG Guidelines, 2015. Collection method: research. Allele origin: germline. Affected: yes. Observed: 1 variant allele. Study: WIN study.

Angelo Bianchi Bonomi Hemophilia and Thrombosis Center, Fondazione IRCCS Ca Granda Ospedale Maggiore Policlinico
Classification: Pathogenic for von Willebrand disease type 3. Last evaluated: 2020-11-01. Review status: no assertion criteria provided. Collection method: clinical testing. Allele origin: germline. Affected: yes. Study: Type 3 Von Willebrand International Registries Inhibitor Prospective Study (3WINTERS-IPS). Not counted in ClinVar's aggregate classification.
Comment: variant already reported in ClinVar

OMIM
Classification: Pathogenic for VON WILLEBRAND DISEASE, TYPE 3. Last evaluated: 1992-10-01. Review status: no assertion criteria provided. Collection method: literature only. Allele origin: germline. Not counted in ClinVar's aggregate classification.

Academic Unit of Haematology, University of Sheffield
No classification provided. Review status: no classification provided. Collection method: not provided. Allele origin: not provided. Not counted in ClinVar's aggregate classification.

Clinical Genetics DNA and cytogenetics Diagnostics Lab, Erasmus MC, Erasmus Medical Center
Classification: Pathogenic. Review status: no assertion criteria provided. Collection method: clinical testing. Allele origin: germline. Affected: yes. Study: VKGL Data-share Consensus. Not counted in ClinVar's aggregate classification.

GeneReviews
No classification provided. Condition: von Willebrand disorder. Review status: no classification provided. Collection method: literature only. Allele origin: germline. Not counted in ClinVar's aggregate classification.

Genome Diagnostics Laboratory, Amsterdam University Medical Center
Classification: Pathogenic. Review status: no assertion criteria provided. Collection method: clinical testing. Allele origin: germline. Affected: yes. Study: VKGL Data-share Consensus. Not counted in ClinVar's aggregate classification.

Joint Genome Diagnostic Labs from Nijmegen and Maastricht, Radboudumc and MUMC+
Classification: Pathogenic. Review status: no assertion criteria provided. Collection method: clinical testing. Allele origin: germline. Affected: yes. Study: VKGL Data-share Consensus. Not counted in ClinVar's aggregate classification.

Literature cited by the submitters: PubMed 1415226 (cited by Quest Diagnostics Nichols Institute San Juan Capistrano and OMIM); PubMed 8096943 (cited by Quest Diagnostics Nichols Institute San Juan Capistrano); PubMed 7989040 (cited by Quest Diagnostics Nichols Institute San Juan Capistrano and Women's Health and Genetics/Laboratory Corporation of America, LabCorp); PubMed 23702511 (cited by Quest Diagnostics Nichols Institute San Juan Capistrano); PubMed 35343054 (cited by Quest Diagnostics Nichols Institute San Juan Capistrano); PubMed 29984440 (cited by Quest Diagnostics Nichols Institute San Juan Capistrano); PubMed 37647632 (cited by Quest Diagnostics Nichols Institute San Juan Capistrano); PubMed 25525159 (cited by Quest Diagnostics Nichols Institute San Juan Capistrano); PubMed 39002731 (cited by Quest Diagnostics Nichols Institute San Juan Capistrano); PubMed 26207643 (cited by Quest Diagnostics Nichols Institute San Juan Capistrano); PubMed 23777763 (cited by Quest Diagnostics Nichols Institute San Juan Capistrano); PubMed 37845247 (cited by Quest Diagnostics Nichols Institute San Juan Capistrano); PubMed 26251079 (cited by Quest Diagnostics Nichols Institute San Juan Capistrano); PubMed 24675615 (cited by Quest Diagnostics Nichols Institute San Juan Capistrano); PubMed 29423401 (cited by Quest Diagnostics Nichols Institute San Juan Capistrano); NCBI Bookshelf NBK7014 (cited by GeneReviews).

NM_000552.5(VWF):c.7603C>T (p.Arg2535Ter)

Gene: VWF (von Willebrand factor; minus strand). Cytogenetic location: 12p13.31.
Variant type: single nucleotide variant.
Coding change: c.7603C>T on transcript NM_000552.5 (MANE Select); coding-DNA position 7603, C replaced by T.
Protein change: p.Arg2535Ter; replaces arginine 2535 with a stop codon.
Molecular consequence: nonsense.
Genome position (GRCh38, 1-based): chr12:5,969,337, G>A on the plus strand (C>T on the coding strand, the complement: VWF is on the minus strand). VCF-style: chr12-5969337-G-A. GRCh37 (hg19) VCF-style: chr12-6078503-G-A.
Other names: R2635*; p.R2535*; c.7603C>T (NM_000552.4); short protein forms R2535*.
Identifiers: ClinVar variation 299 (VCV000000299.19), dbSNP rs61751296, ClinGen allele CA114145.